The following is an entry in ClinVar:

NM_144651.5(PXDNL):c.1847A>C (p.Asp616Ala)

Gene: PXDNL (peroxidasin like; minus strand). Cytogenetic location: 8q11.22.
Variant type: single nucleotide variant.
Coding change: c.1847A>C on transcript NM_144651.5 (MANE Select); coding-DNA position 1847, A replaced by C.
Protein change: p.Asp616Ala; replaces aspartic acid 616 with alanine.
Molecular consequence: missense variant.
Genome position (GRCh38, 1-based): chr8:51,413,207, T>G on the plus strand (A>C on the coding strand, the complement: PXDNL is on the minus strand). VCF-style: chr8-51413207-T-G. GRCh37 (hg19) VCF-style: chr8-52325767-T-G.
Other names: short protein forms D616A.
Identifiers: ClinVar variation 3059646 (VCV003059646.2), dbSNP rs16916207, ClinGen allele CA4745218.

ClinVar aggregate classification (germline): Benign (0 of 4 stars; one submission).

Conditions:
PXDNL-related disorder. Also called: PXDNL-related condition.

Allele frequency attached by ClinVar (database versions not stated): gnomAD exomes 0.09200; ExAC 0.11131; ESP Exome Variant Server 0.11678; gnomAD 0.12520; TOPMed 0.12858; 1000 Genomes Project 0.15875; 1000 Genomes Project 30x 0.15974.
gnomAD v4.1: 154,277 of 1,609,470 alleles (9.6%); highest among the groups gnomAD compares: East Asian, 28%; 9,050 homozygotes.

Submission:

PreventionGenetics, part of Exact Sciences
Classification: Benign for PXDNL-related condition. Last evaluated: 2019-11-26. Review status: no assertion criteria provided. Collection method: clinical testing. Allele origin: germline.
Comment: This variant is classified as benign based on ACMG/AMP sequence variant interpretation guidelines (Richards et al. 2015 PMID: 25741868, with internal and published modifications).